The following is an entry in ClinVar:

ClinVar aggregate classification (germline): Uncertain significance (1 of 4 stars; one submission).

Submission:

Labcorp Genetics (formerly Invitae), Labcorp
Classification: Uncertain significance. Last evaluated: 2022-06-11. Review status: criteria provided, single submitter. Criteria: Invitae Variant Classification Sherloc (09022015). Collection method: clinical testing. Allele origin: germline.
Comment: In summary, the available evidence is currently insufficient to determine the role of this variant in disease. Therefore, it has been classified as a Variant of Uncertain Significance. Algorithms developed to predict the effect of missense changes on protein structure and function are either unavailable or do not agree on the potential impact of this missense change (SIFT: "Deleterious"; PolyPhen-2: "Benign"; Align-GVGD: "Class C0"). This variant has not been reported in the literature in individuals affected with SMARCD2-related conditions. This variant is not present in population databases (gnomAD no frequency). This sequence change replaces asparagine, which is neutral and polar, with threonine, which is neutral and polar, at codon 295 of the SMARCD2 protein (p.Asn295Thr).

NM_001098426.2(SMARCD2):c.884A>C (p.Asn295Thr)

Gene: SMARCD2 (SWI/SNF related BAF chromatin remodeling complex subunit D2; minus strand). Cytogenetic location: 17q23.3.
Variant type: single nucleotide variant.
Coding change: c.884A>C on transcript NM_001098426.2 (MANE Select); coding-DNA position 884, A replaced by C.
Protein change: p.Asn295Thr; replaces asparagine 295 with threonine.
Molecular consequence: missense variant.
Genome position (GRCh38, 1-based): chr17:63,834,511, T>G on the plus strand (A>C on the coding strand, the complement: SMARCD2 is on the minus strand). VCF-style: chr17-63834511-T-G. GRCh37 (hg19) VCF-style: chr17-61911871-T-G.
Other names: c.659A>C, p.Asn220Thr (NM_001330439.1); c.740A>C, p.Asn247Thr (NM_001330440.2); short protein forms N247T, N295T, N220T.
Identifiers: ClinVar variation 2000734 (VCV002000734.4), dbSNP rs781165926, ClinGen allele CA400600303.